The following is an entry in ClinVar:

ClinVar aggregate classification (germline): Benign/Likely benign. Review status: criteria provided, multiple submitters, no conflicts (2 of 4 stars). 4 submissions from 4 submitters: Benign (1); Likely benign (2). 1 of the submissions does not count toward it. Last evaluated 2025-12-15.

Conditions:
NUP133-related disorder. Also called: NUP133-related condition.

Allele frequency attached by ClinVar (database versions not stated): gnomAD exomes 0.00035; ExAC 0.00088; 1000 Genomes Project 30x 0.00172; 1000 Genomes Project 0.00220; ESP Exome Variant Server 0.00261; gnomAD 0.00279; TOPMed 0.00330.
gnomAD v4.1: 987 of 1,603,224 alleles (0.062%); highest among the groups gnomAD compares: African/African-American, 1.1%; 7 homozygotes.

Submissions (4):

Labcorp Genetics (formerly Invitae), Labcorp
Classification: Benign. Last evaluated: 2025-12-15. Review status: criteria provided, single submitter. Criteria: Invitae Variant Classification Sherloc (09022015). Collection method: clinical testing. Allele origin: germline.

Ambry Genetics
Classification: Likely benign. Last evaluated: 2025-10-22. Review status: criteria provided, single submitter. Criteria: Ambry Variant Classification Scheme 2023. Collection method: clinical testing. Allele origin: germline.

CeGaT Center for Human Genetics Tuebingen
Classification: Likely benign. Last evaluated: 2022-05-01. Review status: criteria provided, single submitter. Criteria: CeGaT Center For Human Genetics Tuebingen Variant Classification Criteria Version 2. Collection method: clinical testing. Allele origin: germline. Affected: yes. Observed: 1 variant allele.
Comment: NUP133: BP4, BS1

PreventionGenetics, part of Exact Sciences
Classification: Benign for NUP133-related condition. Last evaluated: 2021-10-21. Review status: no assertion criteria provided. Collection method: clinical testing. Allele origin: germline. Not counted in ClinVar's aggregate classification.
Comment: This variant is classified as benign based on ACMG/AMP sequence variant interpretation guidelines (Richards et al. 2015 PMID: 25741868, with internal and published modifications).

NM_018230.3(NUP133):c.941G>A (p.Arg314Lys)

Gene: NUP133 (nucleoporin 133; minus strand). Cytogenetic location: 1q42.13.
Variant type: single nucleotide variant.
Coding change: c.941G>A on transcript NM_018230.3 (MANE Select); coding-DNA position 941, G replaced by A.
Protein change: p.Arg314Lys; replaces arginine 314 with lysine.
Molecular consequence: missense variant.
Genome position (GRCh38, 1-based): chr1:229,495,926, C>T on the plus strand (G>A on the coding strand, the complement: NUP133 is on the minus strand). VCF-style: chr1-229495926-C-T. GRCh37 (hg19) VCF-style: chr1-229631673-C-T.
Other names: c.941G>A (NM_018230.2); short protein forms R314K.
Identifiers: ClinVar variation 2056085 (VCV002056085.29), dbSNP rs149125926, ClinGen allele CA1443690.